The following is an entry in ClinVar:

NM_001283009.2(RTEL1):c.2422G>A (p.Ala808Thr)

Genes: RTEL1 (regulator of telomere elongation helicase 1; plus strand), RTEL1-TNFRSF6B (RTEL1-TNFRSF6B readthrough (NMD candidate); plus strand). Cytogenetic location: 20q13.33.
Variant type: single nucleotide variant.
Coding change: c.2422G>A on transcript NM_001283009.2 (MANE Select); coding-DNA position 2422, G replaced by A.
Protein change: p.Ala808Thr; replaces alanine 808 with threonine.
Molecular consequence: missense variant. On other transcripts: non-coding transcript variant (1).
Genome position (GRCh38, 1-based): chr20:63,690,813, G>A. VCF-style: chr20-63690813-G-A. GRCh37 (hg19) VCF-style: chr20-62322166-G-A.
Other names: c.1753G>A, p.Ala585Thr (NM_001283010.1); c.2422G>A, p.Ala808Thr (NM_016434.4); c.2494G>A, p.Ala832Thr (NM_032957.5); short protein forms A808T, A832T, A585T.
Identifiers: ClinVar variation 2624367 (VCV002624367.4), dbSNP rs1407022156, ClinGen allele CA409681371.

ClinVar aggregate classification (germline): Uncertain significance. Review status: criteria provided, multiple submitters, no conflicts (2 of 4 stars). 2 submissions from 2 submitters: Uncertain significance (2). Last evaluated 2024-09-09.

Conditions:
Inborn genetic diseases. Identifiers: MedGen C0950123, MeSH D030342.
Pulmonary fibrosis and/or bone marrow failure, Telomere-related, 3. Also called: PULMONARY FIBROSIS AND/OR BONE MARROW FAILURE SYNDROME, TELOMERE-RELATED, 3. Identifiers: Orphanet 2032, MedGen C4225346, MONDO:0014613, OMIM 616373.
Dyskeratosis congenita, autosomal recessive 5 (DKCB5). Identifiers: MedGen C3554656, MONDO:0014076, OMIM 615190.

Allele frequency attached by ClinVar (database versions not stated): gnomAD exomes below 0.00001.

Submissions (2):

Labcorp Genetics (formerly Invitae), Labcorp
Classification: Uncertain significance for Dyskeratosis congenita, autosomal recessive 5; Pulmonary fibrosis and/or bone marrow failure, Telomere-related, 3. Last evaluated: 2024-09-09. Review status: criteria provided, single submitter. Criteria: Invitae Variant Classification Sherloc (09022015). Collection method: clinical testing. Allele origin: germline.
Comment: This sequence change replaces alanine, which is neutral and non-polar, with threonine, which is neutral and polar, at codon 808 of the RTEL1 protein (p.Ala808Thr). The frequency data for this variant in the population databases is considered unreliable, as metrics indicate poor data quality at this position in the gnomAD database. This variant has not been reported in the literature in individuals affected with RTEL1-related conditions. ClinVar contains an entry for this variant (Variation ID: 2624367). An algorithm developed to predict the effect of missense changes on protein structure and function outputs the following: PolyPhen-2: "Benign". The threonine amino acid residue is found in multiple mammalian species, which suggests that this missense change does not adversely affect protein function. In summary, the available evidence is currently insufficient to determine the role of this variant in disease. Therefore, it has been classified as a Variant of Uncertain Significance.

Ambry Genetics
Classification: Uncertain significance for Inborn genetic diseases. Last evaluated: 2023-09-14. Review status: criteria provided, single submitter. Criteria: Ambry Variant Classification Scheme 2023. Collection method: clinical testing. Allele origin: germline.